The following is an entry in ClinVar:

ClinVar aggregate classification (germline): Uncertain significance. Review status: criteria provided, multiple submitters, no conflicts (2 of 4 stars). 2 submissions from 2 submitters: Uncertain significance (2). Last evaluated 2022-07-02.

Conditions:
Hereditary cancer-predisposing syndrome. Also called: Hereditary neoplastic syndrome; Neoplastic Syndromes, Hereditary; Hereditary Cancer Syndrome; Tumor predisposition. Identifiers: Orphanet 140162, MedGen C0027672, MeSH D009386, MONDO:0015356.

Allele frequency attached by ClinVar (database versions not stated): gnomAD exomes below 0.00001.
gnomAD v4.1: 1 of 1,613,658 alleles (0.000062%); highest among the groups gnomAD compares: Non-Finnish European, 0.000085%; no homozygotes.

Submissions (2):

Ambry Genetics
Classification: Uncertain significance for Hereditary cancer-predisposing syndrome. Last evaluated: 2022-07-02. Review status: criteria provided, single submitter. Criteria: Ambry Variant Classification Scheme 2023. Collection method: clinical testing. Allele origin: germline.
Comment: The p.S872P variant (also known as c.2614T>C), located in coding exon 16 of the RAD50 gene, results from a T to C substitution at nucleotide position 2614. The serine at codon 872 is replaced by proline, an amino acid with similar properties. This amino acid position is conserved. In addition, this alteration is predicted to be tolerated by in silico analysis. Since supporting evidence is limited at this time, the clinical significance of this alteration remains unclear.

Labcorp Genetics (formerly Invitae), Labcorp
Classification: Uncertain significance for Hereditary cancer-predisposing syndrome. Last evaluated: 2019-10-29. Review status: criteria provided, single submitter. Criteria: Invitae Variant Classification Sherloc (09022015). Collection method: clinical testing. Allele origin: germline.
Comment: In summary, the available evidence is currently insufficient to determine the role of this variant in disease. Therefore, it has been classified as a Variant of Uncertain Significance. This sequence change replaces serine with proline at codon 872 of the RAD50 protein (p.Ser872Pro). The serine residue is moderately conserved and there is a moderate physicochemical difference between serine and proline. This variant is not present in population databases (ExAC no frequency). This variant has not been reported in the literature in individuals with RAD50-related conditions. Algorithms developed to predict the effect of missense changes on protein structure and function (SIFT, PolyPhen-2, Align-GVGD) all suggest that this variant is likely to be tolerated, but these predictions have not been confirmed by published functional studies and their clinical significance is uncertain.

NM_005732.4(RAD50):c.2614T>C (p.Ser872Pro)

Gene: RAD50 (RAD50 double strand break repair protein; plus strand). Cytogenetic location: 5q31.1.
Variant type: single nucleotide variant.
Coding change: c.2614T>C on transcript NM_005732.4 (MANE Select); coding-DNA position 2614, T replaced by C.
Protein change: p.Ser872Pro; replaces serine 872 with proline.
Molecular consequence: missense variant.
Genome position (GRCh38, 1-based): chr5:132,604,895, T>C. VCF-style: chr5-132604895-T-C. GRCh37 (hg19) VCF-style: chr5-131940587-T-C.
Other names: short protein forms S872P.
Identifiers: ClinVar variation 967460 (VCV000967460.12), dbSNP rs1561645666, ClinGen allele CA360956574.